The following is an entry in ClinVar:

NM_000742.4(CHRNA2):c.73+149C>G

Gene: CHRNA2 (cholinergic receptor nicotinic alpha 2 subunit; minus strand). Cytogenetic location: 8p21.2.
Variant type: single nucleotide variant.
Coding change: c.73+149C>G on transcript NM_000742.4 (MANE Select); 149 bases into the intron after coding-DNA position 73, C replaced by G.
Molecular consequence: intron variant.
Genome position (GRCh38, 1-based): chr8:27,470,837, G>C on the plus strand (C>G on the coding strand, the complement: CHRNA2 is on the minus strand). VCF-style: chr8-27470837-G-C. GRCh37 (hg19) VCF-style: chr8-27328354-G-C.
Other names: c.-355+149C>G (NM_001347705.2); c.73+149C>G (NM_001282455.2); c.-389+149C>G (NM_001347708.2); c.-400+149C>G (NM_001347706.2); c.-341+149C>G (NM_001347707.2).
Identifiers: ClinVar variation 679135 (VCV000679135.2), dbSNP rs2472554, ClinGen allele CA12719995.
Genomic context (GRCh38, chr8:27,470,837, plus strand): 5'-TGGGGACATTTAAGGTGACACAGATGCTAACGTCAGAGCTGTGACTGCCCCTCCACCTCT[G>C]CCAGTGGAAACAGCCACCTGGCTGATGGCCTCTGAAGTCCCCTGCAGCTTTGACGGTTGC-3'

ClinVar aggregate classification (germline): Benign. Review status: criteria provided, multiple submitters, no conflicts (2 of 4 stars). 2 submissions from 2 submitters: Benign (2). Last evaluated 2018-06-14.

Allele frequency attached by ClinVar (database versions not stated): gnomAD exomes 0.71952; 1000 Genomes Project 0.78454; 1000 Genomes Project 30x 0.78654; gnomAD 0.78667 and 0.79409; TOPMed 0.78951.
gnomAD v4.1: 548,245 of 747,200 alleles (73%); highest among the groups gnomAD compares: African/African-American, 94%; 204,221 homozygotes.

Submissions (2):

GeneDx
Classification: Benign. Last evaluated: 2018-06-14. Review status: criteria provided, single submitter. Criteria: GeneDx Variant Classification (06012015). Collection method: clinical testing. Allele origin: germline. Affected: yes.
Comment: This variant is considered likely benign or benign based on one or more of the following criteria: it is a conservative change, it occurs at a poorly conserved position in the protein, it is predicted to be benign by multiple in silico algorithms, and/or has population frequency not consistent with disease.

Breakthrough Genomics
Classification: Benign. Review status: criteria provided, single submitter. Criteria: ACMG Guidelines, 2015. Collection method: not provided. Allele origin: germline. Inheritance: Autosomal dominant inheritance. Affected: yes.